The following is an entry in ClinVar:

ClinVar aggregate classification (germline): Benign (0 of 4 stars; one submission).

Conditions:
GPR180-related disorder. Also called: GPR180-related condition.

Allele frequency attached by ClinVar (database versions not stated): 1000 Genomes Project 0.00140; 1000 Genomes Project 30x 0.00141; ExAC 0.00284; gnomAD 0.00403; TOPMed 0.00416; ESP Exome Variant Server 0.00438; gnomAD exomes 0.00455.
gnomAD v4.1: 7,275 of 1,613,652 alleles (0.45%); highest among the groups gnomAD compares: Non-Finnish European, 0.53%; 28 homozygotes.

Submissions (2):

PreventionGenetics, part of Exact Sciences
Classification: Benign for GPR180-related condition. Last evaluated: 2019-05-06. Review status: no assertion criteria provided. Collection method: clinical testing. Allele origin: germline.
Comment: This variant is classified as benign based on ACMG/AMP sequence variant interpretation guidelines (Richards et al. 2015 PMID: 25741868, with internal and published modifications).

Dr. Peter K. Rogan Lab, Western University
No classification provided (evidence only). Condition: Lung cancer. Review status: no classification provided. Collection method: in vitro. Allele origin: not applicable. Functional consequence: retained intron. Not counted in ClinVar's aggregate classification.

NM_180989.6(GPR180):c.926A>G (p.Asp309Gly)

Gene: GPR180 (G protein-coupled receptor 180; plus strand). Cytogenetic location: 13q32.1.
Variant type: single nucleotide variant.
Coding change: c.926A>G on transcript NM_180989.6 (MANE Select); coding-DNA position 926, A replaced by G.
Protein change: p.Asp309Gly; replaces aspartic acid 309 with glycine.
Molecular consequence: missense variant.
Genome position (GRCh38, 1-based): chr13:94,623,140, A>G. VCF-style: chr13-94623140-A-G. GRCh37 (hg19) VCF-style: chr13-95275394-A-G.
Other names: NC_000013.10:g.95275394A>G; short protein forms D309G.
Identifiers: ClinVar variation 3038153 (VCV003038153.3), dbSNP rs139988296, ClinGen allele CA7018507.
Genomic context (GRCh38, chr13:94,623,140, plus strand): 5'-CTAAATGTAATATTGTTTTTCTTTTGCAGAGTGTTTTGCTACTTTGGGAACAGTTTGAAG[A>G]TATCAGTCATCATAGCTACCATTCACACCACAACTTAGCAGGGATCCTCCTAATTGTTCT-3'
Protein context (NP_851320.1, residues 299-319): SVLLLWEQFE[Asp309Gly]ISHHSYHSHH